The following is an entry in ClinVar:

NM_001364905.1(LRBA):c.2563_2564delinsTG (p.Glu855Ter)

Gene: LRBA (LPS responsive beige-like anchor protein; minus strand). Cytogenetic location: 4q31.3.
Variant type: Indel.
Coding change: c.2563_2564delinsTG on transcript NM_001364905.1 (MANE Select); coding-DNA positions 2563 to 2564, GA replaced by TG.
Protein change: p.Glu855Ter; replaces glutamic acid 855 with a stop codon.
Molecular consequence: nonsense.
Genome position (GRCh38, 1-based): chr4:150,868,191-150,868,192, TC replaced by CA on the plus strand (GA replaced by TG on the coding strand, the reverse complement: LRBA is on the minus strand). VCF-style: chr4-150868191-TC-CA. GRCh37 (hg19) VCF-style: chr4-151789343-TC-CA.
Other names: c.2563_2564delGAinsTG, p.Glu855Ter (NM_001199282.3, NM_006726.5); c.2563_2564delinsTG, p.Glu855Ter (NM_001367550.1); short protein forms E855*.
Identifiers: ClinVar variation 571049 (VCV000571049.6), dbSNP rs1560938296, ClinGen allele CA891843240.

ClinVar aggregate classification (germline): Pathogenic (1 of 4 stars; one submission).

Conditions:
Combined immunodeficiency due to LRBA deficiency. Also called: Common variable immunodeficiency 8, with autoimmunity. Identifiers: Orphanet 445018, MedGen C3553512, MONDO:0013863, OMIM 614700.

Submission:

Labcorp Genetics (formerly Invitae), Labcorp
Classification: Pathogenic for Combined immunodeficiency due to LRBA deficiency. Last evaluated: 2019-10-30. Review status: criteria provided, single submitter. Criteria: Invitae Variant Classification Sherloc (09022015). Collection method: clinical testing. Allele origin: germline.
Comment: For these reasons, this variant has been classified as Pathogenic. Loss-of-function variants in LRBA are known to be pathogenic (PMID: 26206937, 26768763). This variant has not been reported in the literature in individuals with LRBA-related disease. This variant is not present in population databases (ExAC no frequency). This sequence change creates a premature translational stop signal (p.Glu855*) in the LRBA gene. It is expected to result in an absent or disrupted protein product.

Literature cited by the submitters: PubMed 26206937; PubMed 26768763.